The following is an entry in ClinVar:

NM_007255.3(B4GALT7):c.651G>A (p.Met217Ile)

Gene: B4GALT7 (beta-1,4-galactosyltransferase 7; plus strand). Cytogenetic location: 5q35.3.
Variant type: single nucleotide variant.
Coding change: c.651G>A on transcript NM_007255.3 (MANE Select); coding-DNA position 651, G replaced by A.
Protein change: p.Met217Ile; replaces methionine 217 with isoleucine.
Molecular consequence: missense variant.
Genome position (GRCh38, 1-based): chr5:177,608,550, G>A. VCF-style: chr5-177608550-G-A. GRCh37 (hg19) VCF-style: chr5-177035551-G-A.
Other names: short protein forms M217I.
Identifiers: ClinVar variation 1800608 (VCV001800608.2), dbSNP rs1205721014, ClinGen allele CA362376367.

ClinVar aggregate classification (germline): Uncertain significance. Review status: criteria provided, multiple submitters, no conflicts (2 of 4 stars). 2 submissions from 2 submitters: Uncertain significance (2). Last evaluated 2025-12-09.

Allele frequency attached by ClinVar (database versions not stated): TOPMed below 0.00001; gnomAD 0.00001; gnomAD exomes 0.00003.
gnomAD v4.1: 38 of 1,613,620 alleles (0.0024%); highest among the groups gnomAD compares: Non-Finnish European, 0.0032%; no homozygotes.

Submissions (2):

Women's Health and Genetics/Laboratory Corporation of America, LabCorp
Classification: Uncertain significance. Last evaluated: 2025-12-09. Review status: criteria provided, single submitter. Criteria: LabCorp Variant Classification Summary - May 2015. Collection method: clinical testing. Allele origin: germline.
Comment: Variant summary: B4GALT7 c.651G>A (p.Met217Ile) results in a conservative amino acid change in the encoded protein sequence. Algorithms developed to predict the effect of missense changes on protein structure and function are either unavailable or do not agree on the potential impact of this missense change. The variant allele was found at a frequency of 1.2e-05 in 250936 control chromosomes. The available data on variant occurrences in the general population are insufficient to allow any conclusion about variant significance. To our knowledge, no occurrence of c.651G>A in individuals affected with B4GALT7-related conditions and no experimental evidence demonstrating its impact on protein function have been reported. ClinVar contains an entry for this variant (Variation ID: 1800608). Based on the evidence outlined above, the variant was classified as uncertain significance.

GeneDx
Classification: Uncertain significance. Last evaluated: 2022-11-15. Review status: criteria provided, single submitter. Criteria: GeneDx Variant Classification Process June 2021. Collection method: clinical testing. Allele origin: germline. Affected: yes.
Comment: Not observed at significant frequency in large population cohorts (gnomAD); In silico analysis supports that this missense variant has a deleterious effect on protein structure/function; Has not been previously published as pathogenic or benign to our knowledge